The following is an entry in ClinVar:

ClinVar aggregate classification (germline): Likely benign (0 of 4 stars; one submission).

Conditions:
BMP7-related disorder. Also called: BMP7-related condition.

Allele frequency attached by ClinVar (database versions not stated): gnomAD exomes 0.00002; gnomAD 0.00003; TOPMed 0.00003.
gnomAD v4.1: 28 of 1,551,442 alleles (0.0018%); highest among the groups gnomAD compares: East Asian, 0.066%; no homozygotes.

Submission:

PreventionGenetics, part of Exact Sciences
Classification: Likely benign for BMP7-related condition. Last evaluated: 2022-07-08. Review status: no assertion criteria provided. Collection method: clinical testing. Allele origin: germline.
Comment: This variant is classified as likely benign based on ACMG/AMP sequence variant interpretation guidelines (Richards et al. 2015 PMID: 25741868, with internal and published modifications).

NM_001719.3(BMP7):c.147G>A (p.Gln49=)

Gene: BMP7 (bone morphogenetic protein 7; minus strand). Cytogenetic location: 20q13.31.
Variant type: single nucleotide variant.
Coding change: c.147G>A on transcript NM_001719.3 (MANE Select); coding-DNA position 147, G replaced by A.
Protein change: p.Gln49=; no amino-acid change (glutamine 49 retained).
Molecular consequence: synonymous variant.
Genome position (GRCh38, 1-based): chr20:57,265,976, C>T on the plus strand (G>A on the coding strand, the complement: BMP7 is on the minus strand). VCF-style: chr20-57265976-C-T. GRCh37 (hg19) VCF-style: chr20-55841032-C-T.
Identifiers: ClinVar variation 3044572 (VCV003044572.2), dbSNP rs766457017, ClinGen allele CA9919887.
Genomic context (GRCh38, chr20:57,265,976, plus strand): 5'-GCGCGGGCGGTGGGGCAAGCCCAAAATGGAGAGGATCTCGCGCTGCATCTCCCGCCGCTC[C>T]TGGCTGCGGAGGCGCCGGTGGATGAAGCTCGAGTGCACCTCGTTGTCCAGGCTGAAGTCG-3'
Protein context (NP_001710.1, residues 39-59): SSFIHRRLRS[Gln49=]ERREMQREIL